The following is an entry in ClinVar:

ClinVar aggregate classification (germline): Uncertain significance (1 of 4 stars; one submission).

Conditions:
BBS1-related disorder. Also called: BBS1-related condition.

Submission:

PreventionGenetics, part of Exact Sciences
Classification: Uncertain significance for BBS1-related condition. Last evaluated: 2026-03-02. Review status: criteria provided, single submitter. Criteria: ACMG Guidelines, 2015. Collection method: clinical testing. Allele origin: germline.
Comment: The BBS1 c.1063G>C variant is predicted to result in the amino acid substitution p.Val355Leu. To our knowledge, this variant has not been reported in the literature or in a large population database (gnomAD), indicating this variant is rare. At this time, the clinical significance of this variant is uncertain due to the absence of conclusive functional and genetic evidence.

NM_024649.5(BBS1):c.1063G>C (p.Val355Leu)

Genes: BBS1 (Bardet-Biedl syndrome 1; plus strand), ZDHHC24 (zDHHC palmitoyltransferase 24; minus strand). Cytogenetic location: 11q13.2.
Variant type: single nucleotide variant.
Coding change: c.1063G>C on transcript NM_024649.5 (MANE Select); coding-DNA position 1063, G replaced by C.
Protein change: p.Val355Leu; replaces valine 355 with leucine.
Molecular consequence: missense variant. On other transcripts: intron variant (1).
Genome position (GRCh38, 1-based): chr11:66,523,835, G>C. VCF-style: chr11-66523835-G-C. GRCh37 (hg19) VCF-style: chr11-66291306-G-C.
Other names: c.*22-2369C>G (NM_001348571.2); short protein forms V355L.
Identifiers: ClinVar variation 4993534 (VCV004993534.1).